The following is an entry in ClinVar:

NM_001211.6(BUB1B):c.2904C>G (p.His968Gln)

Genes: BUB1B (BUB1 mitotic checkpoint serine/threonine kinase B; plus strand), BUB1B-PAK6 (BUB1B-PAK6 readthrough; plus strand). Cytogenetic location: 15q15.1.
Variant type: single nucleotide variant.
Coding change: c.2904C>G on transcript NM_001211.6 (MANE Select); coding-DNA position 2904, C replaced by G.
Protein change: p.His968Gln; replaces histidine 968 with glutamine.
Molecular consequence: missense variant. On other transcripts: intron variant (2).
Genome position (GRCh38, 1-based): chr15:40,218,509, C>G. VCF-style: chr15-40218509-C-G. GRCh37 (hg19) VCF-style: chr15-40510710-C-G.
Other names: c.-201+842C>G (NM_001128628.3); c.-118+842C>G (NM_001128629.3); short protein forms H968Q.
Identifiers: ClinVar variation 2497647 (VCV002497647.3), dbSNP rs1284860869, ClinGen allele CA391688294.

ClinVar aggregate classification (germline): Uncertain significance (1 of 4 stars; one submission).

Conditions:
Inborn genetic diseases. Identifiers: MedGen C0950123, MeSH D030342.

Submission:

Ambry Genetics
Classification: Uncertain significance for Inborn genetic diseases. Last evaluated: 2025-05-23. Review status: criteria provided, single submitter. Criteria: Ambry Variant Classification Scheme 2023. Collection method: clinical testing. Allele origin: germline.
Comment: The p.H968Q variant (also known as c.2904C>G), located in coding exon 22 of the BUB1B gene, results from a C to G substitution at nucleotide position 2904. The histidine at codon 968 is replaced by glutamine, an amino acid with highly similar properties. This amino acid position is conserved. In addition, the in silico prediction for this alteration is inconclusive. Since supporting evidence is limited at this time, the clinical significance of this alteration remains unclear.